The following is an entry in ClinVar:

NM_005359.6(SMAD4):c.1140G>T (p.Arg380Ser)

Gene: SMAD4 (SMAD family member 4; plus strand). Cytogenetic location: 18q21.2.
Variant type: single nucleotide variant.
Coding change: c.1140G>T on transcript NM_005359.6 (MANE Select); coding-DNA position 1140, G replaced by T.
Protein change: p.Arg380Ser; replaces arginine 380 with serine.
Molecular consequence: missense variant.
Genome position (GRCh38, 1-based): chr18:51,067,019, G>T. VCF-style: chr18-51067019-G-T. GRCh37 (hg19) VCF-style: chr18-48593389-G-T.
Other names: c.1140G>T, p.Arg380Ser (NM_001407041.1, NM_001407042.1); short protein forms R380S.
Identifiers: ClinVar variation 1731235 (VCV001731235.3), dbSNP rs1060504025, ClinGen allele CA402464709.

ClinVar aggregate classification (germline): Uncertain significance (1 of 4 stars; one submission).

Conditions:
Hereditary cancer-predisposing syndrome. Also called: Neoplastic Syndromes, Hereditary; Tumor predisposition; Hereditary Cancer Syndrome; Hereditary neoplastic syndrome. Identifiers: Orphanet 140162, MedGen C0027672, MeSH D009386, MONDO:0015356.
Familial thoracic aortic aneurysm and aortic dissection (TAAD). Also called: Thoracic aortic aneurysms and dissections. Identifiers: Orphanet 91387, MedGen C4707243, MONDO:0019625.

Submission:

Ambry Genetics
Classification: Uncertain significance for Hereditary cancer-predisposing syndrome; Familial thoracic aortic aneurysm and aortic dissection. Last evaluated: 2026-05-21. Review status: criteria provided, single submitter. Criteria: Ambry Variant Classification Scheme 2023. Collection method: clinical testing. Allele origin: germline.
Comment: The p.R380S variant (also known as c.1140G>T), located in coding exon 9 of the SMAD4 gene, results from a G to T substitution at nucleotide position 1140. This variant impacts the first base pair of coding exon 9. The arginine at codon 380 is replaced by serine, an amino acid with dissimilar properties. This amino acid position is highly conserved in available vertebrate species. In addition, this alteration is predicted to be deleterious by in silico analysis. Since supporting evidence is limited at this time, the clinical significance of this alteration remains unclear.